The following is an entry in ClinVar:

NM_198721.4(COL25A1):c.36C>T (p.Gly12=)

Gene: COL25A1 (collagen type XXV alpha 1 chain; minus strand). Cytogenetic location: 4q25.
Variant type: single nucleotide variant.
Coding change: c.36C>T on transcript NM_198721.4 (MANE Select); coding-DNA position 36, C replaced by T.
Protein change: p.Gly12=; no amino-acid change (glycine 12 retained).
Molecular consequence: synonymous variant. On other transcripts: non-coding transcript variant (1).
Genome position (GRCh38, 1-based): chr4:109,301,984, G>A on the plus strand (C>T on the coding strand, the complement: COL25A1 is on the minus strand). VCF-style: chr4-109301984-G-A. GRCh37 (hg19) VCF-style: chr4-110223140-G-A.
Other names: c.36C>T, p.Gly12= (NM_001256074.3, NM_032518.4).
Identifiers: ClinVar variation 725197 (VCV000725197.5), dbSNP rs773786786, ClinGen allele CA3040010.

ClinVar aggregate classification (germline): Likely benign. Review status: criteria provided, single submitter (1 of 4 stars). 2 submissions from 2 submitters: Likely benign (1). 1 of the submissions does not count toward it. Last evaluated 2018-03-05.

Conditions:
COL25A1-related disorder. Also called: COL25A1-related condition.

Allele frequency attached by ClinVar (database versions not stated): gnomAD 0.00002; gnomAD exomes 0.00002 and 0.00005; TOPMed 0.00003; ExAC 0.00006.
gnomAD v4.1: 36 of 1,604,586 alleles (0.0022%); highest among the groups gnomAD compares: East Asian, 0.08%; no homozygotes.

Submissions (2):

Labcorp Genetics (formerly Invitae), Labcorp
Classification: Likely benign. Last evaluated: 2018-03-05. Review status: criteria provided, single submitter. Criteria: Invitae Variant Classification Sherloc (09022015). Collection method: clinical testing. Allele origin: germline.

PreventionGenetics, part of Exact Sciences
Classification: Likely benign for COL25A1-related condition. Last evaluated: 2019-03-20. Review status: no assertion criteria provided. Collection method: clinical testing. Allele origin: germline. Not counted in ClinVar's aggregate classification.
Comment: This variant is classified as likely benign based on ACMG/AMP sequence variant interpretation guidelines (Richards et al. 2015 PMID: 25741868, with internal and published modifications).